The following is an entry in ClinVar:

ClinVar aggregate classification (germline): Uncertain significance (1 of 4 stars; one submission).

Conditions:
Werner syndrome (WRN). Identifiers: Orphanet 902, MedGen C0043119, MONDO:0010196, OMIM 277700.

Submission:

Labcorp Genetics (formerly Invitae), Labcorp
Classification: Uncertain significance for Werner syndrome. Last evaluated: 2022-05-05. Review status: criteria provided, single submitter. Criteria: Invitae Variant Classification Sherloc (09022015). Collection method: clinical testing. Allele origin: germline.
Comment: This variant is not present in population databases (gnomAD no frequency). This variant has not been reported in the literature in individuals affected with WRN-related conditions. Algorithms developed to predict the effect of missense changes on protein structure and function output the following: SIFT: "Not Available"; PolyPhen-2: "Benign"; Align-GVGD: "Not Available". The asparagine amino acid residue is found in multiple mammalian species, which suggests that this missense change does not adversely affect protein function. In summary, the available evidence is currently insufficient to determine the role of this variant in disease. Therefore, it has been classified as a Variant of Uncertain Significance. This sequence change replaces threonine, which is neutral and polar, with asparagine, which is neutral and polar, at codon 307 of the WRN protein (p.Thr307Asn).

NM_000553.6(WRN):c.920C>A (p.Thr307Asn)

Gene: WRN (WRN RecQ like helicase; plus strand). Cytogenetic location: 8p12.
Variant type: single nucleotide variant.
Coding change: c.920C>A on transcript NM_000553.6 (MANE Select); coding-DNA position 920, C replaced by A.
Protein change: p.Thr307Asn; replaces threonine 307 with asparagine.
Molecular consequence: missense variant.
Genome position (GRCh38, 1-based): chr8:31,080,947, C>A. VCF-style: chr8-31080947-C-A. GRCh37 (hg19) VCF-style: chr8-30938463-C-A.
Other names: short protein forms T307N.
Identifiers: ClinVar variation 2128261 (VCV002128261.4), dbSNP rs2535909859, ClinGen allele CA370919892.